The following is an entry in ClinVar:

NM_002855.5(NECTIN1):c.*2103C>T

Gene: NECTIN1 (nectin cell adhesion molecule 1; minus strand). Cytogenetic location: 11q23.3.
Variant type: single nucleotide variant.
Coding change: c.*2103C>T on transcript NM_002855.5 (MANE Select); 2103 bases downstream of the stop codon, C replaced by T.
Molecular consequence: 3 prime UTR variant. On other transcripts: intron variant (1).
Genome position (GRCh38, 1-based): chr11:119,662,644, G>A on the plus strand (C>T on the coding strand, the complement: NECTIN1 is on the minus strand). VCF-style: chr11-119662644-G-A. GRCh37 (hg19) VCF-style: chr11-119533354-G-A.
Other names: c.1003+12515C>T (NM_203285.2).
Identifiers: ClinVar variation 878919 (VCV000878919.5), dbSNP rs148431472, ClinGen allele CA15688505.

ClinVar aggregate classification (germline): Likely benign (1 of 4 stars; one submission).

Conditions:
Cleft lip/palate-ectodermal dysplasia syndrome (CLPED1). Also called: ECTODERMAL DYSPLASIA, CLEFT LIP AND PALATE, MENTAL RETARDATION, AND SYNDACTYLY; ECTODERMAL DYSPLASIA, MARGARITA ISLAND TYPE; ECTODERMAL DYSPLASIA, TYPE 4; Zlotogora syndrome; ZLOTOGORA-OGUR SYNDROME. Identifiers: Orphanet 3253, MedGen C2931488, MONDO:0009151, OMIM 225060.

Allele frequency attached by ClinVar (database versions not stated): gnomAD exomes 0.00162; 1000 Genomes Project 0.02037; 1000 Genomes Project 30x 0.02124; gnomAD 0.02199 and 0.02370; TOPMed 0.02509.
gnomAD v4.1: 4,738 of 985,584 alleles (0.48%); highest among the groups gnomAD compares: African/African-American, 7.6%; 171 homozygotes.

Submission:

Illumina Laboratory Services, Illumina
Classification: Likely benign for Cleft lip/palate-ectodermal dysplasia syndrome. Last evaluated: 2018-01-13. Review status: criteria provided, single submitter. Criteria: ICSL Variant Classification Criteria 13 December 2019. Collection method: clinical testing. Allele origin: germline.
Comment: This variant was observed in the ICSL laboratory as part of a predisposition screen in an ostensibly healthy population. It had not been previously curated by ICSL or reported in the Human Gene Mutation Database (HGMD: prior to June 1st, 2018), and was therefore a candidate for classification through an automated scoring system. Utilizing variant allele frequency, disease prevalence and penetrance estimates, and inheritance mode, an automated score was calculated to assess if this variant is too frequent to cause the disease. Based on the score and internal cut-off values, a variant classified as likely benign is not then subjected to further curation. The score for this variant resulted in a classification of likely benign for this disease.